The following is an entry in ClinVar:

NM_000038.6(APC):c.4180G>C (p.Asp1394His)

Gene: APC (APC regulator of Wnt signaling pathway; plus strand). Cytogenetic location: 5q22.2.
Variant type: single nucleotide variant.
Coding change: c.4180G>C on transcript NM_000038.6 (MANE Select); coding-DNA position 4180, G replaced by C.
Protein change: p.Asp1394His; replaces aspartic acid 1394 with histidine.
Molecular consequence: missense variant. On other transcripts: non-coding transcript variant (2).
Genome position (GRCh38, 1-based): chr5:112,839,774, G>C. VCF-style: chr5-112839774-G-C. GRCh37 (hg19) VCF-style: chr5-112175471-G-C.
Other names: c.4180G>C, p.Asp1394His (NM_001127510.3, NM_001354895.2, NM_001407450.1); c.4126G>C, p.Asp1376His (NM_001127511.3); c.4234G>C, p.Asp1412His (NM_001354896.2, NM_001407447.1, NM_001407448.1 and 1 more transcripts); c.4210G>C, p.Asp1404His (NM_001354897.2); c.4105G>C, p.Asp1369His (NM_001354898.2); c.4096G>C, p.Asp1366His (NM_001354899.2); c.4057G>C, p.Asp1353His (NM_001354900.2); c.4003G>C, p.Asp1335His (NM_001354901.2, NM_001407453.1); and 11 more; short protein forms D1265H, D1335H, D1387H, D1404H, D1369H, D1376H, D1010H, D1111H.
Identifiers: ClinVar variation 3881375 (VCV003881375.1).
Genomic context (GRCh38, chr5:112,839,774, plus strand): 5'-GAACACTATGTTCAGGAGACCCCACTCATGTTTAGCAGATGTACTTCTGTCAGTTCACTT[G>C]ATAGTTTTGAGAGTCGTTCGATTGCCAGCTCCGTTCAGAGTGAACCATGCAGTGGAATGG-3'
Protein context (NP_000029.2, residues 1384-1404): FSRCTSVSSL[Asp1394His]SFESRSIASS

ClinVar aggregate classification (germline): Uncertain significance (1 of 4 stars; one submission).

Conditions:
Hereditary cancer-predisposing syndrome. Also called: Tumor predisposition; Neoplastic Syndromes, Hereditary; Hereditary Cancer Syndrome; Hereditary neoplastic syndrome. Identifiers: Orphanet 140162, MedGen C0027672, MeSH D009386, MONDO:0015356.

Submission:

Ambry Genetics
Classification: Uncertain significance for Hereditary cancer-predisposing syndrome. Last evaluated: 2024-12-25. Review status: criteria provided, single submitter. Criteria: Ambry Variant Classification Scheme 2023. Collection method: clinical testing. Allele origin: germline.
Comment: The p.D1394H variant (also known as c.4180G>C), located in coding exon 15 of the APC gene, results from a G to C substitution at nucleotide position 4180. The aspartic acid at codon 1394 is replaced by histidine, an amino acid with similar properties. This amino acid position is conserved. In addition, in silico predictors for this gene do not accurately predict pathogenicity. Based on the available evidence, the clinical significance of this variant remains unclear.